The following is an entry in ClinVar:

ClinVar aggregate classification (germline): Benign (1 of 4 stars; one submission).

Submission:

Women's Health and Genetics/Laboratory Corporation of America, LabCorp
Classification: Benign. Last evaluated: 2026-06-12. Review status: criteria provided, single submitter. Criteria: LabCorp Variant Classification Summary - May 2015. Collection method: clinical testing. Allele origin: germline.
Comment: Variant summary: SCAF4 c.1885+6G>A alters a nucleotide located close to a canonical splice site and therefore could affect mRNA splicing, leading to a significantly altered protein sequence. Several computational tools predict a significant impact on normal splicing: Three predict the variant weakens a 5' donor site. One predicts the variant strengthens a cryptic 5' donor site. One predicts the variant creates a 3' acceptor site. However, these predictions have yet to be confirmed by functional studies. The variant allele was found at a frequency of 0.00014 in 1609416 control chromosomes, predominantly at a frequency of 0.001 within the Latino subpopulation in the gnomAD database. The observed variant frequency within Latino control individuals in the gnomAD database exceeds the estimated maximal expected allele frequency for disease-causing variants in SCAF4. To our knowledge, no occurrence of c.1885+6G>A in individuals affected with SCAF4-related conditions and no experimental evidence demonstrating its impact on protein function have been reported. No submitters have cited clinical-significance assessments for this variant to ClinVar. Based on the evidence outlined above, the variant was classified as benign.

NM_020706.2(SCAF4):c.1885+6G>A

Gene: SCAF4 (SR-related CTD associated factor 4; minus strand). Cytogenetic location: 21q22.11.
Variant type: single nucleotide variant.
Coding change: c.1885+6G>A on transcript NM_020706.2 (MANE Select); 6 bases into the intron after coding-DNA position 1885, G replaced by A.
Molecular consequence: intron variant.
Genome position (GRCh38, 1-based): chr21:31,690,791, C>T on the plus strand (G>A on the coding strand, the complement: SCAF4 is on the minus strand). VCF-style: chr21-31690791-C-T. GRCh37 (hg19) VCF-style: chr21-33063104-C-T.
Other names: c.1840+6G>A (NM_001145444.1); c.1885+6G>A (NM_001145445.1).
Identifiers: ClinVar variation 4887311 (VCV004887311.1).
Genomic context (GRCh38, chr21:31,690,791, plus strand): 5'-TTCGATTTGTCATATGTACTACCAAGCAAATAAGTGAACTGTAAGAGAAATTAAATACTG[C>T]TTTACCTGGGTTAAGTGTGTCACTGTCCAACATTCCTCCTTCACAAAAACTCTCCAGTTC-3'